The following is an entry in ClinVar:

ClinVar aggregate classification (germline): Uncertain significance (1 of 4 stars; one submission).

Conditions:
Familial adenomatous polyposis 1 (FAP1). Also called: FAMILIAL ADENOMATOUS POLYPOSIS 1, ATTENUATED; POLYPOSIS, ADENOMATOUS INTESTINAL. Identifiers: MedGen C2713442, MONDO:0021056, OMIM 175100. Disease mechanism: loss of function.

Submission:

Labcorp Genetics (formerly Invitae), Labcorp
Classification: Uncertain significance for Familial adenomatous polyposis 1. Last evaluated: 2023-03-04. Review status: criteria provided, single submitter. Criteria: Invitae Variant Classification Sherloc (09022015). Collection method: clinical testing. Allele origin: germline.
Comment: This variant is not present in population databases (gnomAD no frequency). This sequence change replaces lysine, which is basic and polar, with glutamine, which is neutral and polar, at codon 1809 of the APC protein (p.Lys1809Gln). This variant has not been reported in the literature in individuals affected with APC-related conditions. In summary, the available evidence is currently insufficient to determine the role of this variant in disease. Therefore, it has been classified as a Variant of Uncertain Significance. Advanced modeling of protein sequence and biophysical properties (such as structural, functional, and spatial information, amino acid conservation, physicochemical variation, residue mobility, and thermodynamic stability) performed at Invitae indicates that this missense variant is not expected to disrupt APC protein function.

NM_000038.6(APC):c.5425A>C (p.Lys1809Gln)

Gene: APC (APC regulator of Wnt signaling pathway; plus strand). Cytogenetic location: 5q22.2.
Variant type: single nucleotide variant.
Coding change: c.5425A>C on transcript NM_000038.6 (MANE Select); coding-DNA position 5425, A replaced by C.
Protein change: p.Lys1809Gln; replaces lysine 1809 with glutamine.
Molecular consequence: missense variant. On other transcripts: non-coding transcript variant (2).
Genome position (GRCh38, 1-based): chr5:112,841,019, A>C. VCF-style: chr5-112841019-A-C. GRCh37 (hg19) VCF-style: chr5-112176716-A-C.
Other names: c.5425A>C, p.Lys1809Gln (NM_001127510.3, NM_001354895.2, NM_001407450.1); c.5371A>C, p.Lys1791Gln (NM_001127511.3); c.5479A>C, p.Lys1827Gln (NM_001354896.2, NM_001407447.1, NM_001407448.1 and 1 more transcripts); c.5455A>C, p.Lys1819Gln (NM_001354897.2); c.5350A>C, p.Lys1784Gln (NM_001354898.2); c.5341A>C, p.Lys1781Gln (NM_001354899.2); c.5302A>C, p.Lys1768Gln (NM_001354900.2); c.5248A>C, p.Lys1750Gln (NM_001354901.2, NM_001407453.1); and 11 more; short protein forms K1768Q, K1781Q, K1784Q, K1802Q, K1680Q, K1683Q, K1718Q, K1809Q.
Identifiers: ClinVar variation 2842795 (VCV002842795.3), dbSNP rs1580660009, ClinGen allele CA16033189.